The following is an entry in ClinVar:

NM_000057.4(BLM):c.2574C>T (p.Asn858=)

Gene: BLM (BLM RecQ like helicase; plus strand). Cytogenetic location: 15q26.1.
Variant type: single nucleotide variant.
Coding change: c.2574C>T on transcript NM_000057.4 (MANE Select); coding-DNA position 2574, C replaced by T.
Protein change: p.Asn858=; no amino-acid change (asparagine 858 retained).
Molecular consequence: synonymous variant.
Genome position (GRCh38, 1-based): chr15:90,782,840, C>T. VCF-style: chr15-90782840-C-T. GRCh37 (hg19) VCF-style: chr15-91326070-C-T.
Other names: c.2574C>T, p.Asn858= (NM_001287246.2, NM_001287247.2); c.1449C>T, p.Asn483= (NM_001287248.2).
Identifiers: ClinVar variation 2031058 (VCV002031058.1), dbSNP rs2505495286, ClinGen allele CA492161508.

ClinVar aggregate classification (germline): Uncertain significance (1 of 4 stars; one submission).

Conditions:
Bloom syndrome (BLM). Also called: Bloom-Torre-Machacek syndrome. Identifiers: Orphanet 125, MedGen C0005859, MONDO:0008876, OMIM 210900.

Submission:

Labcorp Genetics (formerly Invitae), Labcorp
Classification: Uncertain significance for Bloom syndrome. Last evaluated: 2022-09-18. Review status: criteria provided, single submitter. Criteria: Invitae Variant Classification Sherloc (09022015). Collection method: clinical testing. Allele origin: germline.
Comment: This sequence change affects codon 858 of the BLM mRNA. It is a 'silent' change, meaning that it does not change the encoded amino acid sequence of the BLM protein. This variant is not present in population databases (gnomAD no frequency). This variant has not been reported in the literature in individuals affected with BLM-related conditions. Algorithms developed to predict the effect of sequence changes on RNA splicing suggest that this variant may disrupt the consensus splice site. In summary, the available evidence is currently insufficient to determine the role of this variant in disease. Therefore, it has been classified as a Variant of Uncertain Significance.